The following is an entry in ClinVar:

ClinVar aggregate classification (germline): Uncertain significance (1 of 4 stars; one submission).

Conditions:
Myopathy, proximal, and ophthalmoplegia (CMYO6). Also called: MYOPATHY WITH CONGENITAL JOINT CONTRACTURES, OPHTHALMOPLEGIA, AND RIMMED VACUOLES; INCLUSION BODY MYOPATHY 3, AUTOSOMAL DOMINANT; CONGENITAL MYOPATHY 6 WITH OPHTHALMOPLEGIA. Identifiers: Orphanet 363677, Orphanet 79091, MedGen C1854106, MONDO:0011577, OMIM 605637.

Allele frequency attached by ClinVar (database versions not stated): gnomAD exomes below 0.00001 and 0.00002; gnomAD 0.00001; TOPMed 0.00001.
gnomAD v4.1: 28 of 1,614,038 alleles (0.0017%); highest among the groups gnomAD compares: Non-Finnish European, 0.0023%; no homozygotes.

Submission:

Labcorp Genetics (formerly Invitae), Labcorp
Classification: Uncertain significance for Myopathy, proximal, and ophthalmoplegia. Last evaluated: 2023-12-31. Review status: criteria provided, single submitter. Criteria: Invitae Variant Classification Sherloc (09022015). Collection method: clinical testing. Allele origin: germline.
Comment: This sequence change replaces arginine, which is basic and polar, with glutamine, which is neutral and polar, at codon 1506 of the MYH2 protein (p.Arg1506Gln). The frequency data for this variant in the population databases is considered unreliable, as metrics indicate poor data quality at this position in the gnomAD database. This variant has not been reported in the literature in individuals affected with MYH2-related conditions. ClinVar contains an entry for this variant (Variation ID: 659655). Advanced modeling of protein sequence and biophysical properties (such as structural, functional, and spatial information, amino acid conservation, physicochemical variation, residue mobility, and thermodynamic stability) performed at Invitae indicates that this missense variant is expected to disrupt MYH2 protein function with a positive predictive value of 80%. In summary, the available evidence is currently insufficient to determine the role of this variant in disease. Therefore, it has been classified as a Variant of Uncertain Significance.

NM_017534.6(MYH2):c.4517G>A (p.Arg1506Gln)

Genes: MYH2 (myosin heavy chain 2; minus strand), MYHAS (myosin heavy chain gene cluster antisense RNA; plus strand), LOC126862500 (BRD4-independent group 4 enhancer GRCh37_chr17:10427829-10429028; plus strand). Cytogenetic location: 17p13.1.
Variant type: single nucleotide variant.
Coding change: c.4517G>A on transcript NM_017534.6 (MANE Select); coding-DNA position 4517, G replaced by A.
Protein change: p.Arg1506Gln; replaces arginine 1506 with glutamine.
Molecular consequence: missense variant.
Genome position (GRCh38, 1-based): chr17:10,525,471, C>T on the plus strand (G>A on the coding strand, the complement: MYH2 is on the minus strand). VCF-style: chr17-10525471-C-T. GRCh37 (hg19) VCF-style: chr17-10428788-C-T.
Other names: c.4517G>A, p.Arg1506Gln (NM_001100112.2); short protein forms R1506Q.
Identifiers: ClinVar variation 659655 (VCV000659655.6), dbSNP rs1049022189, ClinGen allele CA287737000.